The following is an entry in ClinVar:

NM_001457.4(FLNB):c.6244+2dup

Gene: FLNB (filamin B; plus strand). Cytogenetic location: 3p14.3.
Variant type: Duplication.
Coding change: c.6244+2dup on transcript NM_001457.4 (MANE Select); the canonical splice donor site of the intron after coding-DNA position 6244, one base duplicated (T; older notation c.6244+2dupT).
Molecular consequence: splice donor variant.
Genome position (GRCh38, 1-based): chr3:58,150,004, T duplicated. VCF-style (leftmost placement, unchanged base first): chr3-58150003-G-GT. GRCh37 (hg19) VCF-style: chr3-58135730-G-GT.
Other names: c.6337+2dup (NM_001164317.2); c.6211+2dup (NM_001164318.2); c.6172+2dup (NM_001164319.2).
Identifiers: ClinVar variation 2028161 (VCV002028161.4), dbSNP rs2471210921, ClinGen allele CA2580070368.
Genomic context (GRCh38, chr3:58,150,003, plus strand): 5'-TCCCTACCGTGCCTGGGGTTTATATCGTCTCCACCAAATTCGCTGACGAGCACGTGCCTG[G>GT]TATGTGCATTCCATTCCCCTCCAGGTGGGATGCTTGGGTTTTCTGTAAATGCTGTGCCTT-3'

ClinVar aggregate classification (germline): Uncertain significance (1 of 4 stars; one submission).

Allele frequency attached by ClinVar (database versions not stated): gnomAD exomes below 0.00001.

Submission:

Labcorp Genetics (formerly Invitae), Labcorp
Classification: Uncertain significance. Last evaluated: 2022-09-10. Review status: criteria provided, single submitter. Criteria: Invitae Variant Classification Sherloc (09022015). Collection method: clinical testing. Allele origin: germline.
Comment: In summary, the available evidence is currently insufficient to determine the role of this variant in disease. Therefore, it has been classified as a Variant of Uncertain Significance. This sequence change falls in intron 37 of the FLNB gene. It does not directly change the encoded amino acid sequence of the FLNB protein. It affects a nucleotide within the consensus splice site. This variant is not present in population databases (gnomAD no frequency). This variant has not been reported in the literature in individuals affected with FLNB-related conditions. Variants that disrupt the consensus splice site are a relatively common cause of aberrant splicing (PMID: 17576681, 9536098). Algorithms developed to predict the effect of sequence changes on RNA splicing suggest that this variant may disrupt the consensus splice site.

Literature cited by the submitters: PubMed 17576681; PubMed 9536098.